The following is an entry in ClinVar:

NM_000540.3(RYR1):c.5354C>T (p.Ala1785Val)

Gene: RYR1 (ryanodine receptor 1; plus strand). Cytogenetic location: 19q13.2.
Variant type: single nucleotide variant.
Coding change: c.5354C>T on transcript NM_000540.3 (MANE Select); coding-DNA position 5354, C replaced by T.
Protein change: p.Ala1785Val; replaces alanine 1785 with valine.
Molecular consequence: missense variant.
Genome position (GRCh38, 1-based): chr19:38,486,009, C>T. VCF-style: chr19-38486009-C-T. GRCh37 (hg19) VCF-style: chr19-38976649-C-T.
Other names: c.5354C>T, p.Ala1785Val (NM_001042723.2); short protein forms A1785V.
Identifiers: ClinVar variation 5028616 (VCV005028616.1).

ClinVar aggregate classification (germline): Uncertain significance (1 of 4 stars; one submission).

Conditions:
Inborn genetic diseases. Identifiers: MedGen C0950123, MeSH D030342.

gnomAD v4.1: 2 of 1,613,532 alleles (0.00012%); highest among the groups gnomAD compares: Non-Finnish European, 0.000085%; no homozygotes.

Submission:

Ambry Genetics
Classification: Uncertain significance for Inborn genetic diseases. Last evaluated: 2026-07-01. Review status: criteria provided, single submitter. Criteria: Ambry Variant Classification Scheme 2023. Collection method: clinical testing. Allele origin: germline.
Comment: The p.A1785V variant (also known as c.5354C>T), located in coding exon 34 of the RYR1 gene, results from a C to T substitution at nucleotide position 5354. The alanine at codon 1785 is replaced by valine, an amino acid with similar properties. This amino acid position is conserved. In addition, this alteration is predicted to be tolerated by in silico analysis. Based on the available evidence, the clinical significance of this variant remains unclear.